The following is an entry in ClinVar:

NM_001943.5(DSG2):c.2997G>A (p.Ser999=)

Genes: DSG2 (desmoglein 2; plus strand), DSG2-AS1 (DSG2 antisense RNA 1; minus strand). Cytogenetic location: 18q12.1.
Variant type: single nucleotide variant.
Coding change: c.2997G>A on transcript NM_001943.5 (MANE Select); coding-DNA position 2997, G replaced by A.
Protein change: p.Ser999=; no amino-acid change (serine 999 retained).
Molecular consequence: synonymous variant.
Genome position (GRCh38, 1-based): chr18:31,546,383, G>A. VCF-style: chr18-31546383-G-A. GRCh37 (hg19) VCF-style: chr18-29126346-G-A.
Other names: c.2997G>A (LRG_397t1).
Identifiers: ClinVar variation 466338 (VCV000466338.40), dbSNP rs763888499, ClinGen allele CA047689.
Genomic context (GRCh38, chr18:31,546,383, plus strand): 5'-TGCTAATGAAGGTACAGTTGTGGTCACTGAAAGAGTAATACAGCCTCATGGGGGTGGATC[G>A]AATCCTCTGGAAGGCACTCAGCATCTTCAAGATGTACCTTACGTCATGGTGAGGGAAAGA-3'
Protein context (NP_001934.2, residues 989-1009): ERVIQPHGGG[Ser999=]NPLEGTQHLQ

ClinVar aggregate classification (germline): Likely benign. Review status: criteria provided, multiple submitters, no conflicts (2 of 4 stars). 5 submissions from 5 submitters: Likely benign (5). Last evaluated 2026-01-27.

Conditions:
Cardiomyopathy (CMYO). Also called: Cardiomyopathies. Identifiers: Orphanet 167848, MedGen C0878544, MONDO:0004994, HP:0001638. Inheritance: Various modes of inheritance.
Cardiovascular phenotype. Identifiers: MedGen CN230736.
Arrhythmogenic right ventricular cardiomyopathy (ARVD). Also called: Arrhythmogenic Right Ventricular Cardiomyopathy (ARVC); Cardiomyopathy, ARVC; Arrhythmogenic right ventricular dysplasia; Arrhythmogenic cardiomyopathy. Identifiers: Orphanet 247, MedGen C0349788, MeSH D019571, MONDO:0016587. Disease mechanism: loss of function. Inheritance: Various modes of inheritance.
Arrhythmogenic right ventricular dysplasia 10. Also called: Arrhythmogenic Right Ventricular Dysplasia/Cardiomyopathy10; Arrhythmogenic right ventricular dysplasia/cardiomyopathy, type 10; ARRHYTHMOGENIC RIGHT VENTRICULAR DYSPLASIA, FAMILIAL, 10. Identifiers: MedGen C1857777, MONDO:0012434, OMIM 610193.

Allele frequency attached by ClinVar (database versions not stated): ExAC 0.00001; gnomAD exomes 0.00001 and 0.00002; gnomAD 0.00002; TOPMed 0.00005.
gnomAD v4.1: 15 of 1,613,956 alleles (0.00093%); highest among the groups gnomAD compares: Admixed American, 0.0083%; no homozygotes.

Submissions (5):

Labcorp Genetics (formerly Invitae), Labcorp
Classification: Likely benign for Arrhythmogenic right ventricular dysplasia 10. Last evaluated: 2026-01-27. Review status: criteria provided, single submitter. Criteria: Invitae Variant Classification Sherloc (09022015). Collection method: clinical testing. Allele origin: germline.

CeGaT Center for Human Genetics Tuebingen
Classification: Likely benign. Last evaluated: 2024-09-01. Review status: criteria provided, single submitter. Criteria: CeGaT Center For Human Genetics Tuebingen Variant Classification Criteria Version 2. Collection method: clinical testing. Allele origin: germline. Affected: yes. Observed: 2 variant alleles.
Comment: DSG2: BP4, BP7

All of Us Research Program, National Institutes of Health
Classification: Likely benign for Arrhythmogenic right ventricular cardiomyopathy. Last evaluated: 2024-01-03. Review status: criteria provided, single submitter. Criteria: ACMG Guidelines, 2015. Collection method: clinical testing. Allele origin: germline. Inheritance: Autosomal dominant inheritance. Observed: 10 variant alleles, 10 heterozygotes.
Comment: This study involves interpretation of variants in research participants for the purpose of population health screening. Participant phenotype was not available at the time of variant classification. Additional details can be found in publication PMID: 35346344, PMCID: PMC8962531

Ambry Genetics
Classification: Likely benign for Cardiovascular phenotype. Last evaluated: 2019-07-17. Review status: criteria provided, single submitter. Criteria: Ambry Variant Classification Scheme 2023. Collection method: clinical testing. Allele origin: germline.

Color Diagnostics, LLC DBA Color Health
Classification: Likely benign for Cardiomyopathy. Last evaluated: 2019-01-08. Review status: criteria provided, single submitter. Criteria: ACMG Guidelines, 2015. Collection method: clinical testing. Allele origin: germline.